The following is an entry in ClinVar:

ClinVar aggregate classification (germline): Likely benign (1 of 4 stars; one submission).

Allele frequency attached by ClinVar (database versions not stated): gnomAD exomes 0.00039 and 0.00099; ExAC 0.00120; ESP Exome Variant Server 0.00369; 1000 Genomes Project 30x 0.00375; gnomAD 0.00378 and 0.00391; 1000 Genomes Project 0.00379; TOPMed 0.00439.
gnomAD v4.1: 1,187 of 1,605,162 alleles (0.074%); highest among the groups gnomAD compares: African/African-American, 1.3%; 13 homozygotes.

Submission:

GeneDx
Classification: Likely benign. Last evaluated: 2018-06-16. Review status: criteria provided, single submitter. Criteria: GeneDx Variant Classification (06012015). Collection method: clinical testing. Allele origin: germline. Affected: yes.
Comment: This variant is considered likely benign or benign based on one or more of the following criteria: it is a conservative change, it occurs at a poorly conserved position in the protein, it is predicted to be benign by multiple in silico algorithms, and/or has population frequency not consistent with disease.

NM_172107.4(KCNQ2):c.388-51C>T

Gene: KCNQ2 (potassium voltage-gated channel subfamily Q member 2; minus strand). Cytogenetic location: 20q13.33.
Variant type: single nucleotide variant.
Coding change: c.388-51C>T on transcript NM_172107.4 (MANE Select); 51 bases into the intron before coding-DNA position 388, C replaced by T.
Molecular consequence: intron variant.
Genome position (GRCh38, 1-based): chr20:63,445,415, G>A on the plus strand (C>T on the coding strand, the complement: KCNQ2 is on the minus strand). VCF-style: chr20-63445415-G-A. GRCh37 (hg19) VCF-style: chr20-62076768-G-A.
Other names: c.388-51C>T (NM_004518.6, NM_172108.5, NM_172106.3 and 1 more transcripts).
Identifiers: ClinVar variation 674472 (VCV000674472.1), dbSNP rs112315649, ClinGen allele CA9958845.